The following is an entry in ClinVar:

NM_001190.4(BCAT2):c.600C>A (p.Tyr200Ter)

Gene: BCAT2 (branched chain amino acid transaminase 2; minus strand). Cytogenetic location: 19q13.33.
Variant type: single nucleotide variant.
Coding change: c.600C>A on transcript NM_001190.4 (MANE Select); coding-DNA position 600, C replaced by A.
Protein change: p.Tyr200Ter; replaces tyrosine 200 with a stop codon.
Molecular consequence: nonsense.
Genome position (GRCh38, 1-based): chr19:48,799,770, G>T on the plus strand (C>A on the coding strand, the complement: BCAT2 is on the minus strand). VCF-style: chr19-48799770-G-T. GRCh37 (hg19) VCF-style: chr19-49303027-G-T.
Other names: c.324C>A, p.Tyr108Ter (NM_001164773.2); c.480C>A, p.Tyr160Ter (NM_001284325.2); short protein forms Y108*, Y160*, Y200*.
Identifiers: ClinVar variation 1980342 (VCV001980342.4), dbSNP rs753659619, ClinGen allele CA9558370.
Genomic context (GRCh38, chr19:48,799,770, plus strand): 5'-GGCCCGGATGAAGGCTGGGTCGGCCAGGAGGGAGACCGGGGTCACGGAGCCTCCAGGGAA[G>T]TAGGCACCCACTGGGCAGAGAATGACGAACAGGAGCGCGCGCGTGGGCTGGCTGACACCC-3'

ClinVar aggregate classification (germline): Pathogenic. Review status: criteria provided, single submitter (1 of 4 stars). 2 submissions from 2 submitters: Pathogenic (1). 1 of the submissions does not count toward it. Last evaluated 2025-08-25.

Conditions:
Hypervalinemia and hyperleucine-isoleucinemia (HVLI). Also called: BRANCHED-CHAIN AMINOTRANSFERASE DEFICIENCY; Hypervalinemia or hyperleucine-isoleucinemia. Identifiers: MedGen C5394277, MONDO:0100058, OMIM 618850.

Allele frequency attached by ClinVar (database versions not stated): gnomAD 0.00003; TOPMed 0.00003; ExAC 0.00009.

Submissions (2):

Labcorp Genetics (formerly Invitae), Labcorp
Classification: Pathogenic. Last evaluated: 2025-08-25. Review status: criteria provided, single submitter. Criteria: Invitae Variant Classification Sherloc (09022015). Collection method: clinical testing. Allele origin: germline.
Comment: This sequence change creates a premature translational stop signal (p.Tyr200*) in the BCAT2 gene. It is expected to result in an absent or disrupted protein product. Loss-of-function variants in BCAT2 are known to be pathogenic (PMID: 30626930, 31177572). This variant is present in population databases (rs753659619, gnomAD 0.02%). This premature translational stop signal has been observed in individual(s) with clinical features of BCAT2 deficiency (PMID: 31177572). ClinVar contains an entry for this variant (Variation ID: 1980342). Algorithms developed to predict the effect of sequence changes on RNA splicing suggest that this variant may disrupt the consensus splice site. For these reasons, this variant has been classified as Pathogenic.

OMIM
Classification: Pathogenic for HYPERVALINEMIA AND HYPERLEUCINE-ISOLEUCINEMIA. Last evaluated: 2024-08-26. Review status: no assertion criteria provided. Collection method: literature only. Allele origin: germline. Not counted in ClinVar's aggregate classification.

Literature cited by the submitters: PubMed 30626930 (cited by Labcorp Genetics (formerly Invitae), Labcorp); PubMed 31177572 (cited by Labcorp Genetics (formerly Invitae), Labcorp and OMIM).